The following is an entry in ClinVar:

ClinVar aggregate classification (germline): Uncertain significance. Review status: criteria provided, multiple submitters, no conflicts (2 of 4 stars). 3 submissions from 3 submitters: Uncertain significance (3). Last evaluated 2025-01-22.

Conditions:
Inborn genetic diseases. Identifiers: MedGen C0950123, MeSH D030342.
Myofibrillar myopathy 3 (MFM3). Also called: Autosomal dominant spheroid body myopathy; Muscular dystrophy, proximal, type 1A. Identifiers: Orphanet 266, Orphanet 268129, MedGen C3714934, MONDO:0012215, OMIM 609200.

Allele frequency attached by ClinVar (database versions not stated): gnomAD exomes 0.00001; ExAC 0.00002.

Submissions (3):

Labcorp Genetics (formerly Invitae), Labcorp
Classification: Uncertain significance for Myofibrillar myopathy 3. Last evaluated: 2025-01-22. Review status: criteria provided, single submitter. Criteria: Invitae Variant Classification Sherloc (09022015). Collection method: clinical testing. Allele origin: germline.
Comment: This sequence change replaces phenylalanine, which is neutral and non-polar, with leucine, which is neutral and non-polar, at codon 460 of the MYOT protein (p.Phe460Leu). This variant is present in population databases (rs765499949, gnomAD 0.003%). This variant has not been reported in the literature in individuals affected with MYOT-related conditions. ClinVar contains an entry for this variant (Variation ID: 2300633). An algorithm developed to predict the effect of missense changes on protein structure and function (PolyPhen-2) suggests that this variant is likely to be tolerated. In summary, the available evidence is currently insufficient to determine the role of this variant in disease. Therefore, it has been classified as a Variant of Uncertain Significance.

GeneDx
Classification: Uncertain significance. Last evaluated: 2022-09-29. Review status: criteria provided, single submitter. Criteria: GeneDx Variant Classification Process June 2021. Collection method: clinical testing. Allele origin: germline. Affected: yes.
Comment: Missense variants in this gene are often considered pathogenic (HGMD); In silico analysis supports that this missense variant does not alter protein structure/function; Has not been previously published as pathogenic or benign to our knowledge

Ambry Genetics
Classification: Uncertain significance for Inborn genetic diseases. Last evaluated: 2022-07-12. Review status: criteria provided, single submitter. Criteria: Ambry Variant Classification Scheme 2023. Collection method: clinical testing. Allele origin: germline.

NM_006790.3(MYOT):c.1378T>C (p.Phe460Leu)

Genes: PKD2L2-DT (PKD2L2 divergent transcript; minus strand), MYOT (myotilin; plus strand). Cytogenetic location: 5q31.2.
Variant type: single nucleotide variant.
Coding change: c.1378T>C on transcript NM_006790.3 (MANE Select); coding-DNA position 1378, T replaced by C.
Protein change: p.Phe460Leu; replaces phenylalanine 460 with leucine.
Molecular consequence: missense variant.
Genome position (GRCh38, 1-based): chr5:137,887,266, T>C. VCF-style: chr5-137887266-T-C. GRCh37 (hg19) VCF-style: chr5-137222955-T-C.
Other names: c.826T>C, p.Phe276Leu (NM_001135940.2); c.1033T>C, p.Phe345Leu (NM_001300911.2); short protein forms F276L, F345L, F460L.
Identifiers: ClinVar variation 2300633 (VCV002300633.12), dbSNP rs765499949, ClinGen allele CA3423187.